The following is an entry in ClinVar:

ClinVar aggregate classification (germline): Uncertain significance. Review status: criteria provided, multiple submitters, no conflicts (2 of 4 stars). 2 submissions from 2 submitters: Uncertain significance (2). Last evaluated 2025-02-16.

Conditions:
Primary open angle glaucoma (POAG). Also called: OPTN-related open angle glaucoma. Identifiers: MedGen C0339573, MONDO:0100553, OMIM 137760.
Glaucoma 1, open angle, E. Identifiers: MedGen C1842026, MONDO:0007665.
Amyotrophic lateral sclerosis type 12 (ALS12). Also called: AMYOTROPHIC LATERAL SCLEROSIS 12 WITH OR WITHOUT FRONTOTEMPORAL DEMENTIA. Identifiers: Orphanet 803, MedGen C3150692, MONDO:0013264, OMIM 613435.

gnomAD v4.1: 1 of 1,607,918 alleles (0.000062%); no homozygotes.

Submissions (2):

GeneDx
Classification: Uncertain significance. Last evaluated: 2025-02-16. Review status: criteria provided, single submitter. Criteria: GeneDx Variant Classification Process June 2021. Collection method: clinical testing. Allele origin: germline. Affected: yes.
Comment: Not observed at significant frequency in large population cohorts (gnomAD); In silico analysis indicates that this missense variant does not alter protein structure/function; Has not been previously published as pathogenic or benign to our knowledge

Labcorp Genetics (formerly Invitae), Labcorp
Classification: Uncertain significance for Primary open angle glaucoma; Glaucoma 1, open angle, E; Amyotrophic lateral sclerosis type 12. Last evaluated: 2023-12-08. Review status: criteria provided, single submitter. Criteria: Invitae Variant Classification Sherloc (09022015). Collection method: clinical testing. Allele origin: germline.
Comment: This sequence change replaces lysine, which is basic and polar, with arginine, which is basic and polar, at codon 327 of the OPTN protein (p.Lys327Arg). This variant is not present in population databases (gnomAD no frequency). This variant has not been reported in the literature in individuals affected with OPTN-related conditions. ClinVar contains an entry for this variant (Variation ID: 2008079). Advanced modeling of protein sequence and biophysical properties (such as structural, functional, and spatial information, amino acid conservation, physicochemical variation, residue mobility, and thermodynamic stability) performed at Invitae indicates that this missense variant is not expected to disrupt OPTN protein function with a negative predictive value of 80%. In summary, the available evidence is currently insufficient to determine the role of this variant in disease. Therefore, it has been classified as a Variant of Uncertain Significance.

NM_001008212.2(OPTN):c.980A>G (p.Lys327Arg)

Gene: OPTN (optineurin; plus strand). Cytogenetic location: 10p13.
Variant type: single nucleotide variant.
Coding change: c.980A>G on transcript NM_001008212.2 (MANE Select); coding-DNA position 980, A replaced by G.
Protein change: p.Lys327Arg; replaces lysine 327 with arginine.
Molecular consequence: missense variant.
Genome position (GRCh38, 1-based): chr10:13,124,092, A>G. VCF-style: chr10-13124092-A-G. GRCh37 (hg19) VCF-style: chr10-13166092-A-G.
Other names: c.980A>G, p.Lys327Arg (NM_001008211.1, NM_001008213.1, NM_021980.4); short protein forms K327R.
Identifiers: ClinVar variation 2008079 (VCV002008079.5), dbSNP rs2539065197, ClinGen allele CA376029131.